The following continues an entry in ClinVar:

NM_130837.3(OPA1):c.629C>T (p.Ala210Val)

ClinVar aggregate classification (germline): Benign. Benign (8).

Submissions 30 to 46 of 46:

Dr. Peter K. Rogan Lab, Western University
No classification provided (evidence only). Condition: Ovarian serous cystadenocarcinoma. Review status: no classification provided. Collection method: in vitro. Allele origin: not applicable. Functional consequence: retained intron. Not counted in ClinVar's aggregate classification.

Dr. Peter K. Rogan Lab, Western University
No classification provided (evidence only). Condition: Ovarian serous cystadenocarcinoma. Review status: no classification provided. Collection method: in vitro. Allele origin: not applicable. Functional consequence: retained intron. Not counted in ClinVar's aggregate classification.

Dr. Peter K. Rogan Lab, Western University
No classification provided (evidence only). Condition: Ovarian serous cystadenocarcinoma. Review status: no classification provided. Collection method: in vitro. Allele origin: not applicable. Functional consequence: retained intron. Not counted in ClinVar's aggregate classification.

Dr. Peter K. Rogan Lab, Western University
No classification provided (evidence only). Condition: Ovarian serous cystadenocarcinoma. Review status: no classification provided. Collection method: in vitro. Allele origin: not applicable. Functional consequence: retained intron. Not counted in ClinVar's aggregate classification.

Dr. Peter K. Rogan Lab, Western University
No classification provided (evidence only). Condition: Ovarian serous cystadenocarcinoma. Review status: no classification provided. Collection method: in vitro. Allele origin: not applicable. Functional consequence: retained intron. Not counted in ClinVar's aggregate classification.

Dr. Peter K. Rogan Lab, Western University
No classification provided (evidence only). Condition: Ovarian serous cystadenocarcinoma. Review status: no classification provided. Collection method: in vitro. Allele origin: not applicable. Functional consequence: retained intron. Not counted in ClinVar's aggregate classification.

Dr. Peter K. Rogan Lab, Western University
No classification provided (evidence only). Condition: Ovarian serous cystadenocarcinoma. Review status: no classification provided. Collection method: in vitro. Allele origin: not applicable. Functional consequence: retained intron. Not counted in ClinVar's aggregate classification.

Dr. Peter K. Rogan Lab, Western University
No classification provided (evidence only). Condition: Ovarian serous cystadenocarcinoma. Review status: no classification provided. Collection method: in vitro. Allele origin: not applicable. Functional consequence: retained intron. Not counted in ClinVar's aggregate classification.

Dr. Peter K. Rogan Lab, Western University
No classification provided (evidence only). Condition: Ovarian serous cystadenocarcinoma. Review status: no classification provided. Collection method: in vitro. Allele origin: not applicable. Functional consequence: retained intron. Not counted in ClinVar's aggregate classification.

Dr. Peter K. Rogan Lab, Western University
No classification provided (evidence only). Condition: Ovarian serous cystadenocarcinoma. Review status: no classification provided. Collection method: in vitro. Allele origin: not applicable. Functional consequence: retained intron. Not counted in ClinVar's aggregate classification.

Dr. Peter K. Rogan Lab, Western University
No classification provided (evidence only). Condition: Malignant tumor of esophagus. Review status: no classification provided. Collection method: in vitro. Allele origin: not applicable. Functional consequence: retained intron. Not counted in ClinVar's aggregate classification.

Dr. Peter K. Rogan Lab, Western University
No classification provided (evidence only). Condition: Malignant tumor of esophagus. Review status: no classification provided. Collection method: in vitro. Allele origin: not applicable. Functional consequence: retained intron. Not counted in ClinVar's aggregate classification.

Dr. Peter K. Rogan Lab, Western University
No classification provided (evidence only). Condition: Malignant tumor of esophagus. Review status: no classification provided. Collection method: in vitro. Allele origin: not applicable. Functional consequence: retained intron. Not counted in ClinVar's aggregate classification.

Dr. Peter K. Rogan Lab, Western University
No classification provided (evidence only). Condition: Malignant tumor of esophagus. Review status: no classification provided. Collection method: in vitro. Allele origin: not applicable. Functional consequence: retained intron. Not counted in ClinVar's aggregate classification.

Dr. Peter K. Rogan Lab, Western University
No classification provided (evidence only). Condition: Malignant tumor of esophagus. Review status: no classification provided. Collection method: in vitro. Allele origin: not applicable. Functional consequence: retained intron. Not counted in ClinVar's aggregate classification.

Genome Diagnostics Laboratory, University Medical Center Utrecht
Classification: Benign. Review status: no assertion criteria provided. Collection method: clinical testing. Allele origin: germline. Affected: yes. Study: VKGL Data-share Consensus. Not counted in ClinVar's aggregate classification.

Joint Genome Diagnostic Labs from Nijmegen and Maastricht, Radboudumc and MUMC+
Classification: Benign. Review status: no assertion criteria provided. Collection method: clinical testing. Allele origin: germline. Affected: yes. Study: VKGL Data-share Consensus. Not counted in ClinVar's aggregate classification.

Literature cited by the submitters: PubMed 11440988 (cited by Athena Diagnostics); PubMed 19581274 (cited by Athena Diagnostics); PubMed 15948788 (cited by Athena Diagnostics); PubMed 19029523 (cited by Athena Diagnostics); PubMed 16617242 (cited by Athena Diagnostics).